The following is an entry in ClinVar:

ClinVar aggregate classification (germline): Uncertain significance. Review status: criteria provided, multiple submitters, no conflicts (2 of 4 stars). 6 submissions from 6 submitters: Uncertain significance (6). Last evaluated 2025-12-08.

Conditions:
ALPK3-related disorder. Also called: ALPK3-related condition.
Cardiovascular phenotype. Identifiers: MedGen CN230736.

Allele frequency attached by ClinVar (database versions not stated): 1000 Genomes Project 30x 0.00031; 1000 Genomes Project 0.00040; ExAC 0.00004; gnomAD 0.00004 and 0.00005; gnomAD exomes 0.00005; TOPMed 0.00005; ESP Exome Variant Server 0.00008.
gnomAD v4.1: 107 of 1,611,858 alleles (0.0066%); highest among the groups gnomAD compares: Non-Finnish European, 0.0083%; no homozygotes.

Submissions (6):

Labcorp Genetics (formerly Invitae), Labcorp
Classification: Uncertain significance. Last evaluated: 2025-12-08. Review status: criteria provided, single submitter. Criteria: Invitae Variant Classification Sherloc (09022015). Collection method: clinical testing. Allele origin: germline.
Comment: This sequence change replaces arginine, which is basic and polar, with histidine, which is basic and polar, at codon 1241 of the ALPK3 protein (p.Arg1241His). This variant is present in population databases (rs375717780, gnomAD 0.008%). This variant has not been reported in the literature in individuals affected with ALPK3-related conditions. ClinVar contains an entry for this variant (Variation ID: 452374). Invitae Evidence Modeling of protein sequence and biophysical properties (such as structural, functional, and spatial information, amino acid conservation, physicochemical variation, residue mobility, and thermodynamic stability) indicates that this missense variant is expected to disrupt ALPK3 protein function with a positive predictive value of 80%. In summary, the available evidence is currently insufficient to determine the role of this variant in disease. Therefore, it has been classified as a Variant of Uncertain Significance.

Mayo Clinic Laboratories, Mayo Clinic
Classification: Uncertain significance. Last evaluated: 2025-11-07. Review status: criteria provided, single submitter. Criteria: ACMG Guidelines, 2015. Collection method: clinical testing. Allele origin: germline. Observed: 1 variant allele.

Women's Health and Genetics/Laboratory Corporation of America, LabCorp
Classification: Uncertain significance. Last evaluated: 2025-07-24. Review status: criteria provided, single submitter. Criteria: LabCorp Variant Classification Summary - May 2015. Collection method: clinical testing. Allele origin: germline.
Comment: Variant summary: ALPK3 c.3116G>A (p.Arg1039His) results in a non-conservative amino acid change in the encoded protein sequence. Algorithms developed to predict the effect of missense changes on protein structure and function are either unavailable or do not agree on the potential impact of this missense change. The variant allele was found at a frequency of 5.3e-05 in 246268 control chromosomes, predominantly at a frequency of 9e-05 within the Non-Finnish European subpopulation in the gnomAD database. This frequency is not significantly higher than estimated for a pathogenic variant in ALPK3 causing Cardiomyopathy (5.3e-05 vs 0.0071), allowing no conclusion about variant significance. To our knowledge, no occurrence of c.3116G>A in individuals affected with Cardiomyopathy and no experimental evidence demonstrating its impact on protein function have been reported. ClinVar contains an entry for this variant (Variation ID: 452374). Based on the evidence outlined above, the variant was classified as uncertain significance.

PreventionGenetics, part of Exact Sciences
Classification: Uncertain significance for ALPK3-related condition. Last evaluated: 2025-05-20. Review status: criteria provided, single submitter. Criteria: ACMG Guidelines, 2015. Collection method: clinical testing. Allele origin: germline.
Comment: The ALPK3 c.3722G>A variant is predicted to result in the amino acid substitution p.Arg1241His. To our knowledge, this variant, also described as c.3116G>A (p.Arg1039His) in NM_020778.5, has not been reported in the literature. This variant is reported in 0.0087% of alleles in individuals of European (non-Finnish) descent in gnomAD. At this time, the clinical significance of this variant is uncertain due to the absence of conclusive functional and genetic evidence.

GeneDx
Classification: Uncertain significance. Last evaluated: 2023-11-02. Review status: criteria provided, single submitter. Criteria: GeneDx Variant Classification Process June 2021. Collection method: clinical testing. Allele origin: germline. Affected: yes.
Comment: Has not been previously published as pathogenic or benign to our knowledge; In silico analysis supports that this missense variant does not alter protein structure/function

Ambry Genetics
Classification: Uncertain significance for Cardiovascular phenotype. Last evaluated: 2023-09-22. Review status: criteria provided, single submitter. Criteria: Ambry Variant Classification Scheme 2023. Collection method: clinical testing. Allele origin: germline.
Comment: The p.R1241H variant (also known as c.3722G>A), located in coding exon 6 of the ALPK3 gene, results from a G to A substitution at nucleotide position 3722. The arginine at codon 1241 is replaced by histidine, an amino acid with highly similar properties. This amino acid position is conserved. In addition, the in silico prediction for this alteration is inconclusive. Since supporting evidence is limited at this time, the clinical significance of this alteration remains unclear.

NM_020778.5(ALPK3):c.3116G>A (p.Arg1039His)

Gene: ALPK3 (alpha kinase 3; plus strand). Cytogenetic location: 15q25.3.
Variant type: single nucleotide variant.
Coding change: c.3116G>A on transcript NM_020778.5 (MANE Select); coding-DNA position 3116, G replaced by A.
Protein change: p.Arg1039His; replaces arginine 1039 with histidine.
Molecular consequence: missense variant.
Genome position (GRCh38, 1-based): chr15:84,857,854, G>A. VCF-style: chr15-84857854-G-A. GRCh37 (hg19) VCF-style: chr15-85401085-G-A.
Other names: p.Arg1241His; short protein forms R1241H, R1039H.
Identifiers: ClinVar variation 452374 (VCV000452374.15), dbSNP rs375717780, ClinGen allele CA7709558.
Genomic context (GRCh38, chr15:84,857,854, plus strand): 5'-AGAACAACCACCTGGTGCAGAGTGCACAGACCCTGCTGCTGAGCCCCTGTACCTCCCGCC[G>A]CCTCACCGGCCTCCTGGACCGTGAGGTGCAGGCTGGCCGCCAGGCCCTTGCTGCTGCCCG-3'
Protein context (NP_065829.4, residues 1029-1049): TLLLSPCTSR[Arg1039His]LTGLLDREVQ